The following is an entry in ClinVar:

ClinVar aggregate classification (germline): Pathogenic (1 of 4 stars; one submission).

Conditions:
Colorectal cancer, susceptibility to, 12 (CRCS12). Also called: COLORECTAL CANCER, SUSCEPTIBILITY TO, ON CHROMOSOME 12q24. Identifiers: Orphanet 220460, MedGen C3554460, MONDO:0014038, OMIM 615083.

Submission:

Labcorp Genetics (formerly Invitae), Labcorp
Classification: Pathogenic for Colorectal cancer, susceptibility to, 12. Last evaluated: 2022-05-12. Review status: criteria provided, single submitter. Criteria: Invitae Variant Classification Sherloc (09022015). Collection method: clinical testing. Allele origin: germline.
Comment: This variant is a gross deletion of the genomic region encompassing exon(s) 1-10 of the POLE gene, which includes the initiator codon. This deletion extends beyond the assayed region for this gene and therefore may encompass additional genes. It is expected to result in an absent or disrupted protein product. Loss-of-function variants in POLE are known to be pathogenic (PMID: 23230001, 25948378, 30503519). This variant has not been reported in the literature in individuals affected with POLE-related conditions. For these reasons, this variant has been classified as Pathogenic.

Literature cited by the submitters: PubMed 23230001; PubMed 25948378; PubMed 30503519.

NC_000012.11:g.(?_133252670)_(133263901_?)del

Gene: POLE (DNA polymerase epsilon, catalytic subunit; minus strand). Cytogenetic location: 12q24.33.
Variant type: Deletion.
Identifiers: ClinVar variation 1450491 (VCV001450491.6).